The following is an entry in ClinVar:

ClinVar aggregate classification (germline): Uncertain significance (1 of 4 stars; one submission).

Conditions:
MC3R-related disorder. Also called: MC3R-related condition.

Submission:

PreventionGenetics, part of Exact Sciences
Classification: Uncertain significance for MC3R-related condition. Last evaluated: 2026-02-27. Review status: criteria provided, single submitter. Criteria: ACMG Guidelines, 2015. Collection method: clinical testing. Allele origin: germline.
Comment: The MC3R c.430G>A variant is predicted to result in the amino acid substitution p.Val144Ile. To our knowledge, this variant has not been reported in the literature. This variant is reported in 0.0026% of alleles in individuals of European (Non-Finnish) descent in gnomAD. At this time, the clinical significance of this variant is uncertain due to the absence of conclusive functional and genetic evidence.

NM_019888.3(MC3R):c.430G>A (p.Val144Ile)

Gene: MC3R (melanocortin 3 receptor; plus strand). Cytogenetic location: 20q13.2.
Variant type: single nucleotide variant.
Coding change: c.430G>A on transcript NM_019888.3 (MANE Select); coding-DNA position 430, G replaced by A.
Protein change: p.Val144Ile; replaces valine 144 with isoleucine.
Molecular consequence: missense variant.
Genome position (GRCh38, 1-based): chr20:56,249,273, G>A. VCF-style: chr20-56249273-G-A. GRCh37 (hg19) VCF-style: chr20-54824329-G-A.
Other names: short protein forms V144I.
Identifiers: ClinVar variation 4980765 (VCV004980765.1).